The following is an entry in ClinVar:

NM_016363.5(GP6):c.584G>A (p.Ser195Asn)

Gene: GP6 (glycoprotein VI platelet; minus strand). Cytogenetic location: 19q13.42.
Variant type: single nucleotide variant.
Coding change: c.584G>A on transcript NM_016363.5 (MANE Select); coding-DNA position 584, G replaced by A.
Protein change: p.Ser195Asn; replaces serine 195 with asparagine.
Molecular consequence: missense variant.
Genome position (GRCh38, 1-based): chr19:55,027,604, C>T on the plus strand (G>A on the coding strand, the complement: GP6 is on the minus strand). VCF-style: chr19-55027604-C-T. GRCh37 (hg19) VCF-style: chr19-55538972-C-T.
Other names: S175N; c.584G>A, p.Ser195Asn (NM_001083899.2, NM_001256017.2); short protein forms S195N.
Identifiers: ClinVar variation 691634 (VCV000691634.3), dbSNP rs200525940, ClinGen allele CA310130013.

ClinVar aggregate classification (germline): Uncertain significance. Review status: criteria provided, single submitter (1 of 4 stars). 2 submissions from 2 submitters: Uncertain significance (1). 1 of the submissions does not count toward it. Last evaluated 2025-06-10.

Conditions:
Platelet-type bleeding disorder 11 (BDPLT11). Also called: GLYCOPROTEIN VI DEFICIENCY; GP VI DEFICIENCY. Identifiers: Orphanet 73271, Orphanet 98885, MedGen C3280120, MONDO:0013623, OMIM 614201.

Allele frequency attached by ClinVar (database versions not stated): gnomAD exomes 0.00006; ExAC 0.00007; TOPMed 0.00008; ESP Exome Variant Server 0.00025.

Submissions (2):

Women's Health and Genetics/Laboratory Corporation of America, LabCorp
Classification: Uncertain significance. Last evaluated: 2025-06-10. Review status: criteria provided, single submitter. Criteria: LabCorp Variant Classification Summary - May 2015. Collection method: clinical testing. Allele origin: germline.
Comment: Variant summary: GP6 c.584G>A (p.Ser195Asn) results in a conservative amino acid change in the encoded protein sequence. Algorithms developed to predict the effect of missense changes on protein structure and function all suggest that this variant is likely to be tolerated. The variant allele was found at a frequency of 6e-05 in 249122 control chromosomes. This frequency is not significantly higher than estimated for a pathogenic variant in GP6 causing Platelet-Type Bleeding Disorder 11, allowing no conclusion about variant significance. c.584G>A has been reported in the literature in individuals affected with Platelet-Type Bleeding Disorder 11 (Nurden_2011, Stefanucci_2023). These data do not allow any conclusion about variant significance. To our knowledge, no experimental evidence demonstrating an impact on protein function has been reported. The following publications have been ascertained in the context of this evaluation (PMID: 23815599, 21781244, 37647632). ClinVar contains an entry for this variant (Variation ID: 691634). Based on the evidence outlined above, the variant was classified as uncertain significance.

OMIM
Classification: Pathogenic for BLEEDING DISORDER, PLATELET-TYPE, 11. Last evaluated: 2009-08-01. Review status: no assertion criteria provided. Collection method: literature only. Allele origin: germline. Not counted in ClinVar's aggregate classification.

Literature cited by the submitters: PubMed 23815599 (cited by Women's Health and Genetics/Laboratory Corporation of America, LabCorp); PubMed 21781244 (cited by Women's Health and Genetics/Laboratory Corporation of America, LabCorp); PubMed 37647632 (cited by Women's Health and Genetics/Laboratory Corporation of America, LabCorp); PubMed 19552682 (cited by OMIM).